The following is an entry in ClinVar:

NM_000455.5(STK11):c.1270A>G (p.Ile424Val)

Gene: STK11 (serine/threonine kinase 11; plus strand). Cytogenetic location: 19p13.3.
Variant type: single nucleotide variant.
Coding change: c.1270A>G on transcript NM_000455.5 (MANE Select); coding-DNA position 1270, A replaced by G.
Protein change: p.Ile424Val; replaces isoleucine 424 with valine.
Molecular consequence: missense variant.
Genome position (GRCh38, 1-based): chr19:1,226,615, A>G. VCF-style: chr19-1226615-A-G. GRCh37 (hg19) VCF-style: chr19-1226614-A-G.
Other names: short protein forms I424V.
Identifiers: ClinVar variation 1391364 (VCV001391364.6), dbSNP rs2145436527, ClinGen allele CA402954159.
Genomic context (GRCh38, chr19:1,226,615, plus strand): 5'-TCCAGGGCGGAGGGCCGGGCCCCCAACCCTGCCCGCAAGGCCTGCTCCGCCAGCAGCAAG[A>G]TCCGCCGGCTGTCGGCCTGCAAGCAGCAGTGAGGCTGGCCGCCTGCAGGTGGGGCGCGGC-3'
Protein context (NP_000446.1, residues 414-433): ARKACSASSK[Ile424Val]RRLSACKQQ

ClinVar aggregate classification (germline): Uncertain significance (1 of 4 stars; one submission).

Conditions:
Peutz-Jeghers syndrome (PJS). Also called: Peutz-Jeghers polyposis; Periorificial lentiginosis syndrome; POLYPOSIS, HAMARTOMATOUS INTESTINAL; POLYPS-AND-SPOTS SYNDROME. Identifiers: Orphanet 2869, MedGen C0031269, MeSH D010580, MONDO:0008280, OMIM 175200.

Submission:

Labcorp Genetics (formerly Invitae), Labcorp
Classification: Uncertain significance for Peutz-Jeghers syndrome. Last evaluated: 2021-11-05. Review status: criteria provided, single submitter. Criteria: Invitae Variant Classification Sherloc (09022015). Collection method: clinical testing. Allele origin: germline.
Comment: In summary, the available evidence is currently insufficient to determine the role of this variant in disease. Therefore, it has been classified as a Variant of Uncertain Significance. RNA analysis indicates that this missense change does not impact mRNA splicing (Invitae). Advanced modeling of protein sequence and biophysical properties (such as structural, functional, and spatial information, amino acid conservation, physicochemical variation, residue mobility, and thermodynamic stability) performed at Invitae indicates that this missense variant is not expected to disrupt STK11 protein function. This variant has not been reported in the literature in individuals affected with STK11-related conditions. This variant is not present in population databases (gnomAD no frequency). This sequence change replaces isoleucine, which is neutral and non-polar, with valine, which is neutral and non-polar, at codon 424 of the STK11 protein (p.Ile424Val).